The following is an entry in ClinVar:

ClinVar aggregate classification (germline): Uncertain significance. Review status: criteria provided, multiple submitters, no conflicts (2 of 4 stars). 2 submissions from 2 submitters: Uncertain significance (2). Last evaluated 2025-12-07.

Conditions:
Hereditary cancer-predisposing syndrome. Also called: Tumor predisposition; Hereditary neoplastic syndrome; Neoplastic Syndromes, Hereditary; Hereditary Cancer Syndrome. Identifiers: Orphanet 140162, MedGen C0027672, MeSH D009386, MONDO:0015356.
Oligodontia-cancer predisposition syndrome. Also called: TOOTH AGENESIS-COLORECTAL CANCER SYNDROME. Identifiers: Orphanet 300576, MedGen C1837750, MONDO:0012075, OMIM 608615. Disease mechanism: loss of function.

Submissions (2):

Ambry Genetics
Classification: Uncertain significance for Hereditary cancer-predisposing syndrome. Last evaluated: 2025-12-07. Review status: criteria provided, single submitter. Criteria: Ambry Variant Classification Scheme 2023. Collection method: clinical testing. Allele origin: germline.
Comment: The p.Q713P variant (also known as c.2138A>C), located in coding exon 7 of the AXIN2 gene, results from an A to C substitution at nucleotide position 2138. The glutamine at codon 713 is replaced by proline, an amino acid with similar properties. This amino acid position is well conserved in available vertebrate species, however proline is the reference amino acid in other vertebrate species. In addition, this alteration is predicted to be tolerated by in silico analysis. Since supporting evidence is limited at this time, the clinical significance of this alteration remains unclear.

Labcorp Genetics (formerly Invitae), Labcorp
Classification: Uncertain significance for Oligodontia-cancer predisposition syndrome. Last evaluated: 2024-02-12. Review status: criteria provided, single submitter. Criteria: Invitae Variant Classification Sherloc (09022015). Collection method: clinical testing. Allele origin: germline.
Comment: This sequence change replaces glutamine, which is neutral and polar, with proline, which is neutral and non-polar, at codon 713 of the AXIN2 protein (p.Gln713Pro). This variant is not present in population databases (gnomAD no frequency). This variant has not been reported in the literature in individuals affected with AXIN2-related conditions. ClinVar contains an entry for this variant (Variation ID: 1492697). Advanced modeling of protein sequence and biophysical properties (such as structural, functional, and spatial information, amino acid conservation, physicochemical variation, residue mobility, and thermodynamic stability) performed at Invitae indicates that this missense variant is not expected to disrupt AXIN2 protein function with a negative predictive value of 80%. In summary, the available evidence is currently insufficient to determine the role of this variant in disease. Therefore, it has been classified as a Variant of Uncertain Significance.

NM_004655.4(AXIN2):c.2138A>C (p.Gln713Pro)

Gene: AXIN2 (axin 2; minus strand). Cytogenetic location: 17q24.1.
Variant type: single nucleotide variant.
Coding change: c.2138A>C on transcript NM_004655.4 (MANE Select); coding-DNA position 2138, A replaced by C.
Protein change: p.Gln713Pro; replaces glutamine 713 with proline.
Molecular consequence: missense variant.
Genome position (GRCh38, 1-based): chr17:65,536,323, T>G on the plus strand (A>C on the coding strand, the complement: AXIN2 is on the minus strand). VCF-style: chr17-65536323-T-G. GRCh37 (hg19) VCF-style: chr17-63532441-T-G.
Other names: c.2138A>C (NM_004655.3); c.1943A>C, p.Gln648Pro (NM_001363813.1); short protein forms Q648P, Q713P.
Identifiers: ClinVar variation 1492697 (VCV001492697.10), dbSNP rs1598096548, ClinGen allele CA400675907.